The following is an entry in ClinVar:

NM_001972.4(ELANE):c.597+5G>A

Gene: ELANE (elastase, neutrophil expressed; plus strand). Cytogenetic location: 19p13.3.
Variant type: single nucleotide variant.
Coding change: c.597+5G>A on transcript NM_001972.4 (MANE Select); 5 bases into the intron after coding-DNA position 597, G replaced by A.
Molecular consequence: intron variant.
Genome position (GRCh38, 1-based): chr19:855,799, G>A. VCF-style: chr19-855799-G-A. GRCh37 (hg19) VCF-style: chr19-855799-G-A.
Other names: IVS4DS, G-A, +5; c.597+5G>A (LRG_57t1, NM_001972.3).
Identifiers: ClinVar variation 245598 (VCV000245598.22), dbSNP rs879253882, ClinGen allele CA10584621.

ClinVar aggregate classification (germline): Pathogenic/Likely pathogenic. Review status: criteria provided, multiple submitters, no conflicts (2 of 4 stars). 10 submissions from 10 submitters: Pathogenic (6); Likely pathogenic (1). 3 of the submissions do not count toward it. Last evaluated 2026-01-11.

Conditions:
ELANE-related disorders.
Cyclical neutropenia. Also called: Cyclic hematopoiesis; Cyclic Neutropenia. Identifiers: Orphanet 2686, MedGen C0221023, MONDO:0008090, OMIM 162800, HP:0040289. Disease mechanism: loss of function.
Neutropenia, severe congenital, 1, autosomal dominant. Identifiers: MedGen C1859966, MONDO:0042490, OMIM 202700.
Decreased total neutrophil count. Also called: Neutropenia. Identifiers: MedGen C0853697, MONDO:0001475, HP:0001875.

Submissions (10):

Labcorp Genetics (formerly Invitae), Labcorp
Classification: Pathogenic for Neutropenia, severe congenital, 1, autosomal dominant; Cyclical neutropenia. Last evaluated: 2026-01-11. Review status: criteria provided, single submitter. Criteria: Invitae Variant Classification Sherloc (09022015). Collection method: clinical testing. Allele origin: germline.
Comment: This sequence change falls in intron 4 of the ELANE gene. It does not directly change the encoded amino acid sequence of the ELANE protein. RNA analysis indicates that this variant induces altered splicing and likely results in a shortened protein product. This variant is not present in population databases (gnomAD no frequency). This variant has been observed in individuals with cyclic neutropenia or severe congenital neutropenia (PMID: 10581030, 20049848, 23463630, 30040071). It has also been observed to segregate with disease in related individuals. This variant is also known as IVS4+5G>A. ClinVar contains an entry for this variant (Variation ID: 245598). Variants that disrupt the consensus splice site are a relatively common cause of aberrant splicing (PMID: 17576681, 9536098). Studies have shown that this variant results in skipping of the last 10 residues of exon 4 (Val190-Phe199), but is expected to preserve the integrity of the reading-frame (PMID: 23463630). For these reasons, this variant has been classified as Pathogenic.

Dasa
Classification: Likely pathogenic. Last evaluated: 2024-06-17. Review status: criteria provided, single submitter. Criteria: DASA Assertion Criteria. Collection method: clinical testing. Allele origin: germline.
Comment: NM_001972.4(ELANE):c.597+5G>A is a splice-region variant. This variant has been reported in individuals with ELANE-related disorders. Also, this variant is rare in population databases. Computational evidence supports a deleterious effect. Based on the currently available evidence, this variant is classified as likely pathogenic.

Victorian Clinical Genetics Services, Murdoch Childrens Research Institute
Classification: Pathogenic for Neutropenia, severe congenital, 1, autosomal dominant. Last evaluated: 2023-07-16. Review status: criteria provided, single submitter. Criteria: ACMG Guidelines, 2015. Collection method: clinical testing. Allele origin: germline. Inheritance: Autosomal dominant inheritance. Affected: yes.
Comment: Based on the classification scheme VCGS_Germline_v1.3.4, this variant is classified as Pathogenic. Following criteria are met: 0105 - The mechanism of disease for this gene is not clearly established. It is hypothesied that the enzyme is no longer inhibited or properly packaged, leading to accelerated apoptosis of neutrophils (GeneReviews). (I) 0107 - This gene is associated with autosomal dominant disease. (I) 0115 - Variants in this gene are known to have variable expressivity. The same variant can lead to either cyclic or severe congenital neutropenia (GeneReviews). (I) 0210 - Splice site variant proven to affect splicing of the transcript with a known effect on protein sequence. mRNA expression studies from affected individuals demonstrated the use of a cryptic splice site, leading to an in-frame deletion p.(Val190_Phe199del) (PMIDs: 11001877, 23463630). (SP) 0251 - This variant is heterozygous. (I) 0301 - Variant is absent from gnomAD (both v2 and v3). (SP) 0801 - This variant has strong previous evidence of pathogenicity in unrelated individuals. It has been reported in at least ten families with either cyclic or severe congenital neutropenia (PMIDs: 10581030, 11001877, 20049848, 23463630, 34340247). (SP) 1208 - Inheritance information for this variant is not currently available in this individual. (I) Legend: (SP) - Supporting pathogenic, (I) - Information, (SB) - Supporting benign

Institute of Medical Genetics and Applied Genomics, University Hospital Tübingen
Classification: Pathogenic for Neutropenia, severe congenital, 1, autosomal dominant. Last evaluated: 2022-12-07. Review status: criteria provided, single submitter. Criteria: ACMG Guidelines, 2015. Collection method: clinical testing. Allele origin: germline. Inheritance: Autosomal dominant inheritance. Affected: yes.

Blueprint Genetics
Classification: Pathogenic for ELANE-related disorders. Last evaluated: 2022-04-14. Review status: criteria provided, single submitter. Criteria: ACMG Guidelines, 2015. Collection method: clinical testing. Allele origin: germline. Affected: yes. Observed: 2 variant alleles.

GeneDx
Classification: Pathogenic. Last evaluated: 2021-08-19. Review status: criteria provided, single submitter. Criteria: GeneDx Variant Classification Process June 2021. Collection method: clinical testing. Allele origin: germline. Affected: yes.
Comment: Intronic +5 splice site variant in a gene for which loss-of-function is a known mechanism of disease, and both splice predictors and evolutionary conservation support a deleterious effect, although in the absence of functional evidence the actual effect of this sequence change is unknown; Not observed at significant frequency in large population cohorts (Lek et al., 2016); This variant is associated with the following publications: (PMID: 10581030, 21161286, 20049848, 25502423, 23463630, 30040071, 32581362, 31321910, 21659346, 25525159)

Clinical Genetics Service, Universitary Hospital 12 de Octubre
Classification: Pathogenic for Neutropenia, severe congenital, 1, autosomal dominant. Review status: criteria provided, single submitter. Criteria: ACMG Guidelines, 2015. Collection method: clinical testing. Allele origin: maternal. Affected: yes.

Laboratory of Immunopathology and Genetics, Medical Laboratory of Pediatric Oncology and Hematology, Central Clinical Hospital of the Medical University of Lodz
Classification: Pathogenic for Neutropenia, severe congenital, 1, autosomal dominant. Last evaluated: 2024-12-01. Review status: no assertion criteria provided. Collection method: clinical testing. Allele origin: germline. Affected: yes. Observed: 2 variant alleles. Not counted in ClinVar's aggregate classification.

OMIM
Classification: Pathogenic for CYCLIC NEUTROPENIA. Last evaluated: 1999-12-01. Review status: no assertion criteria provided. Collection method: literature only. Allele origin: germline. Not counted in ClinVar's aggregate classification.

NIHR Bioresource Rare Diseases, University of Cambridge
Classification: Pathogenic for Decreased total neutrophil count. Review status: no assertion criteria provided. Collection method: research. Allele origin: unknown. Affected: yes. Observed: 1 variant allele. Not counted in ClinVar's aggregate classification.

Literature cited by the submitters: PubMed 10581030 (cited by 4 submitters); PubMed 20049848 (cited by Labcorp Genetics (formerly Invitae), Labcorp and Victorian Clinical Genetics Services, Murdoch Childrens Research Institute); PubMed 23463630 (cited by Labcorp Genetics (formerly Invitae), Labcorp and Victorian Clinical Genetics Services, Murdoch Childrens Research Institute); PubMed 30040071 (cited by Labcorp Genetics (formerly Invitae), Labcorp); PubMed 17576681 (cited by Labcorp Genetics (formerly Invitae), Labcorp); PubMed 9536098 (cited by Labcorp Genetics (formerly Invitae), Labcorp); PubMed 11001877 (cited by Victorian Clinical Genetics Services, Murdoch Childrens Research Institute); PubMed 11722436 (cited by Victorian Clinical Genetics Services, Murdoch Childrens Research Institute); PubMed 21425445 (cited by Victorian Clinical Genetics Services, Murdoch Childrens Research Institute); PubMed 34340247 (cited by Victorian Clinical Genetics Services, Murdoch Childrens Research Institute); PubMed 32581362 (cited by NIHR Bioresource Rare Diseases, University of Cambridge).